The following is an entry in ClinVar:

ClinVar aggregate classification (germline): Pathogenic (1 of 4 stars; one submission).

Conditions:
Ataxia-telangiectasia syndrome (AT). Also called: ATAXIA-TELANGIECTASIA, COMPLEMENTATION GROUP A; ATAXIA-TELANGIECTASIA, FRESNO VARIANT; Ataxia-telangiectasia; Ataxia-telangiectasia, complementation group D; AT, COMPLEMENTATION GROUP C; Ataxia-telangiectasia, complementation group E. Identifiers: Orphanet 100, MedGen C0004135, MONDO:0008840, OMIM 208900.

Submission:

Labcorp Genetics (formerly Invitae), Labcorp
Classification: Pathogenic for Ataxia-telangiectasia syndrome. Last evaluated: 2022-02-10. Review status: criteria provided, single submitter. Criteria: Invitae Variant Classification Sherloc (09022015). Collection method: clinical testing. Allele origin: germline.
Comment: For these reasons, this variant has been classified as Pathogenic. ClinVar contains an entry for this variant (Variation ID: 857745). This variant has not been reported in the literature in individuals affected with ATM-related conditions. This variant is not present in population databases (gnomAD no frequency). This sequence change creates a premature translational stop signal (p.Val2047*) in the ATM gene. It is expected to result in an absent or disrupted protein product. Loss-of-function variants in ATM are known to be pathogenic (PMID: 23807571, 25614872).

Literature cited by the submitters: PubMed 23807571; PubMed 25614872.

NM_000051.4(ATM):c.6139_6146del (p.Leu2046_Val2047insTer)

Genes: ATM (ATM serine/threonine kinase; plus strand), C11orf65 (chromosome 11 open reading frame 65; minus strand). Cytogenetic location: 11q22.3.
Variant type: Deletion.
Coding change: c.6139_6146del on transcript NM_000051.4 (MANE Select); coding-DNA positions 6139 to 6146, 8 bases deleted (GTAACATA; older notation c.6139_6146delGTAACATA).
Protein change: p.Leu2046_Val2047insTer.
Molecular consequence: nonsense. On other transcripts: frameshift variant (1), intron variant (2).
Genome position (GRCh38, 1-based): chr11:108,316,054-108,316,061, GTAACATA deleted; deleting any 8 consecutive bases within chr11:108,316,052-108,316,061 gives the same sequence; the c. name uses the placement nearest the transcript's 3' end. VCF-style (leftmost placement, unchanged base first): chr11-108316051-CTAGTAACA-C. GRCh37 (hg19) VCF-style: chr11-108186778-CTAGTAACA-C.
Other names: c.6139_6146delGTAACATA, p.Val2047Terfs (NM_000051.3); c.6139_6146del, p.Leu2046_Val2047insTer (NM_001351834.2); c.641-6988_641-6981del (NM_001330368.2); c.*39-6988_*39-6981del (NM_001351110.2).
Identifiers: ClinVar variation 857745 (VCV000857745.9), dbSNP rs2084617417, ClinGen allele CA916080453.
Genomic context (GRCh38, chr11:108,316,051, plus strand): 5'-TTCACAATCTTTTCTTATAGACTACGAACATATGAACACGAAGCAATGTGGGGCAAAGCC[CTAGTAACA>C]TATGACCTCGAAACAGCAATCCCCTCATCAACACGCCAGGCAGGAATCATTCAGGTACAT-3'